The following is an entry in ClinVar:

NM_006088.6(TUBB4B):c.732C>T (p.Gly244=)

Gene: TUBB4B (tubulin beta 4B class IVb; plus strand). Cytogenetic location: 9q34.3.
Variant type: single nucleotide variant.
Coding change: c.732C>T on transcript NM_006088.6 (MANE Select); coding-DNA position 732, C replaced by T.
Protein change: p.Gly244=; no amino-acid change (glycine 244 retained).
Molecular consequence: synonymous variant.
Genome position (GRCh38, 1-based): chr9:137,242,950, C>T. VCF-style: chr9-137242950-C-T. GRCh37 (hg19) VCF-style: chr9-140137402-C-T.
Identifiers: ClinVar variation 3058134 (VCV003058134.5), dbSNP rs530728404, ClinGen allele CA5365398.
Genomic context (GRCh38, chr9:137,242,950, plus strand): 5'-CCTGAACCACCTGGTGTCTGCTACCATGAGTGGGGTCACCACCTGCCTGCGCTTCCCAGG[C>T]CAGCTCAATGCTGACCTGCGGAAGCTGGCTGTGAACATGGTCCCGTTTCCCCGGCTGCAC-3'
Protein context (NP_006079.1, residues 234-254): SGVTTCLRFP[Gly244=]QLNADLRKLA

ClinVar aggregate classification (germline): Likely benign. Review status: criteria provided, multiple submitters, no conflicts (2 of 4 stars). 3 submissions from 3 submitters: Likely benign (2). 1 of the submissions does not count toward it. Last evaluated 2024-06-10.

Conditions:
TUBB4B-related disorder. Also called: TUBB4B-related condition.

Allele frequency attached by ClinVar (database versions not stated): TOPMed 0.00004; gnomAD 0.00005; ExAC 0.00006; gnomAD exomes 0.00007; 1000 Genomes Project 30x 0.00016; 1000 Genomes Project 0.00020.

Submissions (3):

Blueprint Genetics
Classification: Likely benign. Last evaluated: 2024-06-10. Review status: criteria provided, single submitter. Criteria: ACMG Guidelines, 2015. Collection method: clinical testing. Allele origin: germline.

Labcorp Genetics (formerly Invitae), Labcorp
Classification: Likely benign. Last evaluated: 2024-06-02. Review status: criteria provided, single submitter. Criteria: Invitae Variant Classification Sherloc (09022015). Collection method: clinical testing. Allele origin: germline.

PreventionGenetics, part of Exact Sciences
Classification: Likely benign for TUBB4B-related condition. Last evaluated: 2019-03-14. Review status: no assertion criteria provided. Collection method: clinical testing. Allele origin: germline. Not counted in ClinVar's aggregate classification.
Comment: This variant is classified as likely benign based on ACMG/AMP sequence variant interpretation guidelines (Richards et al. 2015 PMID: 25741868, with internal and published modifications).